The following is an entry in ClinVar:

ClinVar aggregate classification (germline): Likely pathogenic. Review status: criteria provided, multiple submitters, no conflicts (2 of 4 stars). 2 submissions from 2 submitters: Likely pathogenic (2). Last evaluated 2024-09-11.

Conditions:
alpha Thalassemia. Also called: Alpha thalassemia spectrum. Identifiers: Orphanet 846, MedGen C0002312, MONDO:0011399, OMIM 604131.
Erythrocytosis, familial, 7. Also called: ERYTHROCYTOSIS 7; ERYTHROCYTOSIS, ALPHA-GLOBIN TYPE; POLYCYTHEMIA, ALPHA-GLOBIN TYPE. Identifiers: MedGen C4693823, MONDO:0054802, OMIM 617981.
Hemoglobin H disease (HBH). Also called: Hemoglobin H (HbH) Disease; ALPHA-THALASSEMIA, HEMOGLOBIN H TYPE; HEMOGLOBIN H DISEASE, DELETIONAL. Identifiers: Orphanet 93616, MedGen C3161174, MONDO:0013512, OMIM 613978. Disease mechanism: loss of function.
Heinz body anemia. Also called: Heinz body hemolytic anemia. Identifiers: Orphanet 178330, MedGen C0700299, MONDO:0007705, OMIM 140700, HP:0005511.

Submissions (2):

Natera, Inc.
Classification: Likely pathogenic for Alpha thalassemia. Last evaluated: 2024-09-11. Review status: criteria provided, single submitter. Criteria: Natera Variant Classification Schema (03/2026). Collection method: clinical testing. Allele origin: germline.
Comment: The c.272_279delAGCTTCGG variant in HBA2 is a frameshift variant predicted to elongate the protein beyond the termination codon. This variant is expected to result in nonsense mediated decay, truncation, or a dysfunctional protein product. This variant is rare in the general population with a frequency below the threshold expected for the associated phenotype(s). This variant has been observed in one or more individuals affected with the associated recessive disease, as either homozygous or compound heterozygous with a second variant (PMID: 31199523). Given the available evidence, this variant is classified as Likely Pathogenic.

Juno Genomics, Hangzhou Juno Genomics, Inc
Classification: Likely pathogenic for alpha Thalassemia; Erythrocytosis, familial, 7; Heinz body anemia; Hemoglobin H disease. Review status: criteria provided, single submitter. Criteria: ACMG Guidelines, 2015. Collection method: clinical testing. Allele origin: germline.
Comment: Absent from controls (or at extremely low frequency if recessive) in Genome Aggregation Database.;Null variant in a gene where loss of function (LOF) is a known mechanism of disease.;For recessive disorders, detected in trans with a pathogenic variant.;Patient's phenotype or family history is highly specific for a disease with a single genetic etiology.

Literature cited by the submitters: PubMed 31199523 (cited by Natera, Inc.).

NM_000517.6(HBA2):c.272_279del (p.Lys91fs)

Genes: HBA2 (hemoglobin subunit alpha 2; plus strand), LOC106804612 (hemoglobin subunit alpha 2 recombination region; plus strand). Cytogenetic location: 16p13.3.
Variant type: Deletion.
Coding change: c.272_279del on transcript NM_000517.6 (MANE Select); coding-DNA positions 272 to 279, 8 bases deleted (AGCTTCGG; older notation c.272_279delAGCTTCGG).
Protein change: p.Lys91fs; shifts the reading frame from lysine 91.
Molecular consequence: frameshift variant.
Genome position (GRCh38, 1-based): chr16:173,301-173,308, AGCTTCGG deleted. VCF-style (leftmost placement, unchanged base first): chr16-173300-AAGCTTCGG-A. GRCh37 (hg19) VCF-style: chr16-223299-AAGCTTCGG-A.
Other names: short protein forms K91fs.
Identifiers: ClinVar variation 4818654 (VCV004818654.3).